The following is an entry in ClinVar:

NM_003839.4(TNFRSF11A):c.199G>A (p.Val67Ile)

Gene: TNFRSF11A (TNF receptor superfamily member 11a; plus strand). Cytogenetic location: 18q21.33.
Variant type: single nucleotide variant.
Coding change: c.199G>A on transcript NM_003839.4 (MANE Select); coding-DNA position 199, G replaced by A.
Protein change: p.Val67Ile; replaces valine 67 with isoleucine.
Molecular consequence: missense variant.
Genome position (GRCh38, 1-based): chr18:62,349,853, G>A. VCF-style: chr18-62349853-G-A. GRCh37 (hg19) VCF-style: chr18-60017086-G-A.
Other names: c.199G>A, p.Val67Ile (NM_001270949.2, NM_001270950.2, NM_001270951.2 and 1 more transcripts); short protein forms V67I.
Identifiers: ClinVar variation 4754908 (VCV004754908.1).

ClinVar aggregate classification (germline): Uncertain significance (1 of 4 stars; one submission).

gnomAD v4.1: 3 of 1,614,034 alleles (0.00019%); highest among the groups gnomAD compares: African/African-American, 0.0013%; no homozygotes.

Submission:

Labcorp Genetics (formerly Invitae), Labcorp
Classification: Uncertain significance. Last evaluated: 2025-03-25. Review status: criteria provided, single submitter. Criteria: Invitae Variant Classification Sherloc (09022015). Collection method: clinical testing. Allele origin: germline.
Comment: This sequence change replaces valine, which is neutral and non-polar, with isoleucine, which is neutral and non-polar, at codon 67 of the TNFRSF11A protein (p.Val67Ile). This variant is present in population databases (no rsID available, gnomAD 0.01%). This variant has not been reported in the literature in individuals affected with TNFRSF11A-related conditions. Invitae Evidence Modeling of protein sequence and biophysical properties (such as structural, functional, and spatial information, amino acid conservation, physicochemical variation, residue mobility, and thermodynamic stability) indicates that this missense variant is not expected to disrupt TNFRSF11A protein function with a negative predictive value of 80%. In summary, the available evidence is currently insufficient to determine the role of this variant in disease. Therefore, it has been classified as a Variant of Uncertain Significance.